The following is an entry in ClinVar:

ClinVar aggregate classification (germline): Pathogenic/Likely pathogenic. Review status: criteria provided, multiple submitters, no conflicts (2 of 4 stars). 11 submissions from 11 submitters: Pathogenic (8); Likely pathogenic (1). 2 of the submissions do not count toward it. Last evaluated 2025-08-22.

Conditions:
BCKDHA-related disorder. Also called: BCKDHA-related condition.
Maple syrup urine disease type 1A (MSUD1A). Also called: MSUD type 1A. Identifiers: MedGen C1855369, MONDO:0023691, OMIM 248600.
Maple syrup urine disease (MSUD). Identifiers: Orphanet 511, MedGen C0024776, MeSH D008375, MONDO:0009563. Disease mechanism: loss of function.

Allele frequency attached by ClinVar (database versions not stated): TOPMed below 0.00001; gnomAD 0.00001.
gnomAD v4.1: 11 of 1,613,936 alleles (0.00068%); highest among the groups gnomAD compares: Admixed American, 0.0067%; no homozygotes.

Submissions (11):

Natera, Inc.
Classification: Pathogenic for Maple syrup urine disease type 1A. Last evaluated: 2025-08-22. Review status: criteria provided, single submitter. Criteria: Natera Variant Classification Schema (03/2026). Collection method: clinical testing. Allele origin: germline.
Comment: The c.868G>A variant in BCKDHA is a missense variant predicted to cause substitution of glycine to arginine at amino acid 290. This variant is rare in the general population with a frequency below the threshold expected for the associated phenotype(s). This variant has been observed in one or more individuals affected with the associated recessive disease, as either homozygous or compound heterozygous with a second variant (PMID: 16786533). Given the available evidence, this variant is classified as Pathogenic.

Labcorp Genetics (formerly Invitae), Labcorp
Classification: Pathogenic for Maple syrup urine disease. Last evaluated: 2025-01-12. Review status: criteria provided, single submitter. Criteria: Invitae Variant Classification Sherloc (09022015). Collection method: clinical testing. Allele origin: germline.
Comment: This sequence change replaces glycine, which is neutral and non-polar, with arginine, which is basic and polar, at codon 290 of the BCKDHA protein (p.Gly290Arg). This variant is present in population databases (rs137852871, gnomAD 0.006%). This missense change has been observed in individual(s) with maple syrup urine disease (PMID: 7883996, 29306928). This variant is also known as G245R. ClinVar contains an entry for this variant (Variation ID: 2377). Invitae Evidence Modeling of protein sequence and biophysical properties (such as structural, functional, and spatial information, amino acid conservation, physicochemical variation, residue mobility, and thermodynamic stability) indicates that this missense variant is expected to disrupt BCKDHA protein function with a positive predictive value of 95%. Experimental studies have shown that this missense change affects BCKDHA function (PMID: 7883996). For these reasons, this variant has been classified as Pathogenic.

PreventionGenetics, part of Exact Sciences
Classification: Pathogenic for BCKDHA-related condition. Last evaluated: 2024-12-31. Review status: criteria provided, single submitter. Criteria: ACMG Guidelines, 2015. Collection method: clinical testing. Allele origin: germline.
Comment: The BCKDHA c.868G>A variant is predicted to result in the amino acid substitution p.Gly290Arg. This variant is alternatively referred to as G245R using legacy nomenclature and has been reported in the homozygous state in multiple unrelated individuals with maple syrup urine disease (MSUD, Chuang et al. 1995. PubMed ID: 7883996; Zeynalzadeh et al. 2018. PubMed ID: 29306928; Gorzelany et al. 2009. PubMed ID: 19480318; Brunetti-Pierri et al. 2010. PubMed ID: 21098507; Henneke et al. 2003. PubMed ID: 14517957). This variant has also been reported in the heterozygous or homozygous state in individuals with severe classic MSUD (Yang et al. 2012. PubMed ID: 22727569; Zeynalzadeh et al. 2018. PubMed ID: 29306928). Functional studies using cultured fibroblasts showed that this variant caused significantly decreased BCKD activity compared to wild-type (Chuang et al. 1995. PubMed ID: 7883996; Wynn et al. 1998. PubMed ID: 9582350). This variant is reported in 0.0058% of alleles in individuals of Latino descent in gnomAD. This variant is interpreted as pathogenic.

Baylor Genetics
Classification: Pathogenic for Maple syrup urine disease type 1A. Last evaluated: 2024-03-04. Review status: criteria provided, single submitter. Criteria: ACMG Guidelines, 2015. Collection method: clinical testing. Allele origin: unknown.

Genome-Nilou Lab
Classification: Pathogenic for Maple syrup urine disease type 1A. Last evaluated: 2021-11-07. Review status: criteria provided, single submitter. Criteria: ACMG Guidelines, 2015. Collection method: clinical testing. Allele origin: germline. Affected: no.

Women's Health and Genetics/Laboratory Corporation of America, LabCorp
Classification: Pathogenic for Maple Syrup Urine Disease, Type IA. Last evaluated: 2020-04-03. Review status: criteria provided, single submitter. Criteria: LabCorp Variant Classification Summary - May 2015. Collection method: clinical testing. Allele origin: germline.
Comment: Variant summary: BCKDHA c.868G>A (p.Gly290Arg) results in a non-conservative amino acid change located in the Dehydrogenase E1 component domain (IPR001017) of the encoded protein sequence. Five of five in-silico tools predict a damaging effect of the variant on protein function. The variant allele was found at a frequency of 1.2e-05 in 251368 control chromosomes (gnomAD). c.868G>A has been reported in the literature in multiple homozygous individuals affected with intermediate severity Maple Syrup Urine Disease Type 1A (Chuang_1995, Henneke_2003, Gupta_2015). These data indicate that the variant is very likely to be associated with disease. Publications also reported experimental evidence evaluating an impact on protein function, and demonstrated that the variant results in slow assembly kinetics with 2-5% residual activities that is consistent with the reported intermediate phenotype (Chuang_1995, Wynn_1998, Henneke_2003). Two clinical diagnostic laboratories have submitted clinical-significance assessments for this variant to ClinVar after 2014 without evidence for independent evaluation, and both of them classified the variant as likely pathogenic. Based on the evidence outlined above, the variant was classified as pathogenic.

SIB Swiss Institute of Bioinformatics
Classification: Likely pathogenic for Maple syrup urine disease type 1A. Last evaluated: 2018-05-31. Review status: criteria provided, single submitter. Criteria: ACMG Guidelines, 2015. Collection method: curation. Allele origin: unknown.
Comment: This variant is interpreted as a Likely Pathogenic, for Maple syrup urine disease, in Autosomal Recessive manner. The following ACMG Tag(s) were applied: PM2 => Absent from controls (or at extremely low frequency if recessive) in Exome Sequencing Project, 1000 Genomes Project, or Exome Aggregation Consortium. PP3 => Multiple lines of computational evidence support a deleterious effect on the gene or gene product. PS3 => Well-established functional studies show a deleterious effect (PMID:7883996,9582350).

Eurofins Ntd Llc (ga)
Classification: Pathogenic. Last evaluated: 2013-08-25. Review status: criteria provided, single submitter. Criteria: EGL Classification Definitions. Collection method: clinical testing. Allele origin: germline. Observed: 2 variant alleles, 1 heterozygote, 1 homozygote.

Institute of Medical Genetics and Genomics, Sir Ganga Ram Hospital
Classification: Pathogenic for Maple syrup urine disease type 1A. Last evaluated: 2013-01-01. Review status: criteria provided, single submitter. Criteria: Submitter's publication. Collection method: research. Allele origin: germline. Affected: yes. Observed: 1 variant allele.

Counsyl
Classification: Likely pathogenic for Maple syrup urine disease type 1A. Last evaluated: 2017-03-29. Review status: no assertion criteria provided. Collection method: clinical testing. Allele origin: unknown. Not counted in ClinVar's aggregate classification.

OMIM
Classification: Pathogenic for MAPLE SYRUP URINE DISEASE, TYPE IA. Last evaluated: 1998-05-22. Review status: no assertion criteria provided. Collection method: literature only. Allele origin: germline. Not counted in ClinVar's aggregate classification.

Literature cited by the submitters: PubMed 16786533 (cited by Natera, Inc. and Counsyl); PubMed 7883996 (cited by 5 submitters); PubMed 29306928 (cited by Labcorp Genetics (formerly Invitae), Labcorp); PubMed 14517957 (cited by Women's Health and Genetics/Laboratory Corporation of America, LabCorp); PubMed 26257134 (cited by Women's Health and Genetics/Laboratory Corporation of America, LabCorp and Counsyl); PubMed 9582350 (cited by 4 submitters); PubMed 22727569 (cited by Counsyl); PubMed 19480318 (cited by Counsyl); PubMed 21098507 (cited by Counsyl).

NM_000709.4(BCKDHA):c.868G>A (p.Gly290Arg)

Gene: BCKDHA (branched chain keto acid dehydrogenase E1 subunit alpha; plus strand). Cytogenetic location: 19q13.2.
Variant type: single nucleotide variant.
Coding change: c.868G>A on transcript NM_000709.4 (MANE Select); coding-DNA position 868, G replaced by A.
Protein change: p.Gly290Arg; replaces glycine 290 with arginine.
Molecular consequence: missense variant.
Genome position (GRCh38, 1-based): chr19:41,422,643, G>A. VCF-style: chr19-41422643-G-A. GRCh37 (hg19) VCF-style: chr19-41928548-G-A.
Other names: G245R; NM_000709.3(BCKDHA):c.868G>A(p.Gly290Arg); NM_001164783.1(BCKDHA):c.865G>A(p.Gly289Arg); c.865G>A, p.Gly289Arg (NM_001164783.2); short protein forms G289R, G290R.
Identifiers: ClinVar variation 2377 (VCV000002377.34), dbSNP rs137852871, ClinGen allele CA115508.